The following is an entry in ClinVar:

ClinVar aggregate classification (germline): Uncertain significance (1 of 4 stars; one submission).

Conditions:
Creatine transporter deficiency (CCDS1). Also called: Creatine Transporter (CRTR) Deficiency; SLC6A8-Related Creatine Transporter Deficiency; CREATINE TRANSPORTER DEFECT; CEREBRAL CREATINE DEFICIENCY SYNDROME 1; Mental retardation , X-linked with seizures, short stature and midface hypoplasia; Mental retardation , X-linked, with creatine transport deficiency. Identifiers: Orphanet 52503, MedGen C1845862, MONDO:0010305, OMIM 300352.

Submission:

Labcorp Genetics (formerly Invitae), Labcorp
Classification: Uncertain significance for Creatine transporter deficiency. Last evaluated: 2017-09-05. Review status: criteria provided, single submitter. Criteria: Invitae Variant Classification Sherloc (09022015). Collection method: clinical testing. Allele origin: germline.
Comment: This sequence change replaces glycine with serine at codon 600 of the SLC6A8 protein (p.Gly600Ser). The glycine residue is moderately conserved and there is a small physicochemical difference between glycine and serine. This variant is not present in population databases (ExAC no frequency). This variant has not been reported in the literature in individuals with SLC6A8-related disease. Algorithms developed to predict the effect of missense changes on protein structure and function do not agree on the potential impact of this missense change (SIFT: "Deleterious"; PolyPhen-2: "Benign"; Align-GVGD: "Class C0"). In summary, the available evidence is currently insufficient to determine the role of this variant in disease. Therefore, it has been classified as a Variant of Uncertain Significance.

NM_005629.4(SLC6A8):c.1798G>A (p.Gly600Ser)

Gene: SLC6A8 (solute carrier family 6 member 8; plus strand). Cytogenetic location: Xq28.
Variant type: single nucleotide variant.
Coding change: c.1798G>A on transcript NM_005629.4 (MANE Select); coding-DNA position 1798, G replaced by A.
Protein change: p.Gly600Ser; replaces glycine 600 with serine.
Molecular consequence: missense variant.
Genome position (GRCh38, 1-based): chrX:153,695,104, G>A. VCF-style: chrX-153695104-G-A. GRCh37 (hg19) VCF-style: chrX-152960559-G-A.
Other names: c.1768G>A, p.Gly590Ser (NM_001142805.2); c.1453G>A, p.Gly485Ser (NM_001142806.1); short protein forms G600S, G485S, G590S.
Identifiers: ClinVar variation 465145 (VCV000465145.8), dbSNP rs1557045828, ClinGen allele CA415091106.